The following is an entry in ClinVar:

NM_002016.2(FLG):c.9070G>T (p.Glu3024Ter)

Genes: CCDST (cervical cancer associated DHX9 suppressive transcript; plus strand), FLG (filaggrin; minus strand). Cytogenetic location: 1q21.3.
Variant type: single nucleotide variant.
Coding change: c.9070G>T on transcript NM_002016.2 (MANE Select); coding-DNA position 9070, G replaced by T.
Protein change: p.Glu3024Ter; replaces glutamic acid 3024 with a stop codon.
Molecular consequence: nonsense.
Genome position (GRCh38, 1-based): chr1:152,305,816, C>A on the plus strand (G>T on the coding strand, the complement: FLG is on the minus strand). VCF-style: chr1-152305816-C-A. GRCh37 (hg19) VCF-style: chr1-152278292-C-A.
Other names: short protein forms E3024*.
Identifiers: ClinVar variation 5020042 (VCV005020042.2).

ClinVar aggregate classification (germline): Uncertain significance (1 of 4 stars; one submission).

Conditions:
Dermatitis, atopic, 2. Identifiers: MedGen C1853965, MONDO:0011596, OMIM 605803.
Ichthyosis vulgaris. Also called: ICHTHYOSIS SIMPLEX; Dominant ichthyosis vulgaris. Identifiers: MedGen C0079584, MONDO:0024304, OMIM 146700.

Submission:

Juno Genomics, Hangzhou Juno Genomics, Inc
Classification: Uncertain significance for Dermatitis, atopic, 2; Ichthyosis vulgaris. Review status: criteria provided, single submitter. Criteria: ACMG Guidelines, 2015. Collection method: clinical testing. Allele origin: germline.
Comment: Absent from controls (or at extremely low frequency if recessive) in Genome Aggregation Database.;Null variant in a gene where loss of function (LOF) is a known mechanism of disease.